The following is an entry in ClinVar:

NM_004006.3(DMD):c.6376T>A (p.Phe2126Ile)

Gene: DMD (dystrophin; minus strand). Cytogenetic location: Xp21.1.
Variant type: single nucleotide variant.
Coding change: c.6376T>A on transcript NM_004006.3 (MANE Select); coding-DNA position 6376, T replaced by A.
Protein change: p.Phe2126Ile; replaces phenylalanine 2126 with isoleucine.
Molecular consequence: missense variant.
Genome position (GRCh38, 1-based): chrX:32,216,978, A>T on the plus strand (T>A on the coding strand, the complement: DMD is on the minus strand). VCF-style: chrX-32216978-A-T. GRCh37 (hg19) VCF-style: chrX-32235095-A-T.
Other names: c.6352T>A, p.Phe2118Ile (NM_000109.4); c.6364T>A, p.Phe2122Ile (NM_004009.3); c.6007T>A, p.Phe2003Ile (NM_004010.3); c.2353T>A, p.Phe785Ile (NM_004011.4); c.2344T>A, p.Phe782Ile (NM_004012.4); short protein forms F2003I, F2126I, F782I, F2118I, F2122I, F785I.
Identifiers: ClinVar variation 1753138 (VCV001753138.2), dbSNP rs2519058578, ClinGen allele CA412660609.

ClinVar aggregate classification (germline): Uncertain significance (1 of 4 stars; one submission).

Conditions:
Cardiovascular phenotype. Identifiers: MedGen CN230736.

Submission:

Ambry Genetics
Classification: Uncertain significance for Cardiovascular phenotype. Last evaluated: 2022-08-09. Review status: criteria provided, single submitter. Criteria: Ambry Variant Classification Scheme 2023. Collection method: clinical testing. Allele origin: germline.
Comment: The p.F2126I variant (also known as c.6376T>A), located in coding exon 44 of the DMD gene, results from a T to A substitution at nucleotide position 6376. The phenylalanine at codon 2126 is replaced by isoleucine, an amino acid with highly similar properties. This amino acid position is well conserved in available vertebrate species. In addition, this alteration is predicted to be tolerated by in silico analysis. Since supporting evidence is limited at this time, the clinical significance of this alteration remains unclear.